The following is an entry in ClinVar:

ClinVar aggregate classification (germline): Uncertain significance (1 of 4 stars; one submission).

Conditions:
2-aminoadipic 2-oxoadipic aciduria (AAKAD). Also called: ALPHA-AMINOADIPIC AND ALPHA-KETOADIPIC ACIDURIA; Aminoadipic aciduria. Identifiers: Orphanet 79154, MedGen C1859817, MONDO:0008774, OMIM 204750.

Allele frequency attached by ClinVar (database versions not stated): ExAC 0.00001; gnomAD exomes 0.00001.
gnomAD v4.1: 11 of 1,614,228 alleles (0.00068%); highest among the groups gnomAD compares: Non-Finnish European, 0.00093%; no homozygotes.

Submission:

Labcorp Genetics (formerly Invitae), Labcorp
Classification: Uncertain significance for 2-aminoadipic 2-oxoadipic aciduria. Last evaluated: 2021-12-15. Review status: criteria provided, single submitter. Criteria: Invitae Variant Classification Sherloc (09022015). Collection method: clinical testing. Allele origin: germline.
Comment: In summary, the available evidence is currently insufficient to determine the role of this variant in disease. Therefore, it has been classified as a Variant of Uncertain Significance. Algorithms developed to predict the effect of sequence changes on RNA splicing suggest that this variant may create or strengthen a splice site. Algorithms developed to predict the effect of missense changes on protein structure and function (SIFT, PolyPhen-2, Align-GVGD) all suggest that this variant is likely to be tolerated. This variant has not been reported in the literature in individuals affected with DHTKD1-related conditions. This variant is present in population databases (rs761255122, gnomAD 0.0009%). This sequence change replaces asparagine, which is neutral and polar, with aspartic acid, which is acidic and polar, at codon 493 of the DHTKD1 protein (p.Asn493Asp).

NM_018706.7(DHTKD1):c.1477A>G (p.Asn493Asp)

Gene: DHTKD1 (dehydrogenase E1 and transketolase domain containing 1; plus strand). Cytogenetic location: 10p14.
Variant type: single nucleotide variant.
Coding change: c.1477A>G on transcript NM_018706.7 (MANE Select); coding-DNA position 1477, A replaced by G.
Protein change: p.Asn493Asp; replaces asparagine 493 with aspartic acid.
Molecular consequence: missense variant.
Genome position (GRCh38, 1-based): chr10:12,097,802, A>G. VCF-style: chr10-12097802-A-G. GRCh37 (hg19) VCF-style: chr10-12139801-A-G.
Other names: short protein forms N493D.
Identifiers: ClinVar variation 1448603 (VCV001448603.6), dbSNP rs761255122, ClinGen allele CA5407866.